The following is an entry in ClinVar:

ClinVar aggregate classification (germline): Pathogenic (1 of 4 stars; one submission).

Conditions:
Cortical dysplasia-focal epilepsy syndrome (PTHSL1). Also called: Pitt-Hopkins-like syndrome 1. Identifiers: Orphanet 163681, Orphanet 221150, MedGen C2750246, MONDO:0012400, OMIM 610042.

Submission:

Labcorp Genetics (formerly Invitae), Labcorp
Classification: Pathogenic for Cortical dysplasia-focal epilepsy syndrome. Last evaluated: 2022-11-15. Review status: criteria provided, single submitter. Criteria: Invitae Variant Classification Sherloc (09022015). Collection method: clinical testing. Allele origin: germline.
Comment: For these reasons, this variant has been classified as Pathogenic. This variant has not been reported in the literature in individuals affected with CNTNAP2-related conditions. This variant is a gross deletion of the genomic region encompassing exon(s) 4-9 of the CNTNAP2 gene. This deletion is out-of-frame, and is expected to create a premature termination codon and result in an absent or disrupted protein product. Loss-of-function variants in CNTNAP2 are known to be pathogenic (PMID: 19896112, 21827697, 25045150, 26843181, 27439707).

Literature cited by the submitters: PubMed 19896112; PubMed 21827697; PubMed 25045150; PubMed 26843181; PubMed 27439707.

NC_000007.14:g.(?_147043887)_(147300310_?)del

Gene: CNTNAP2 (contactin associated protein 2; plus strand). Cytogenetic location: 7q35.
Variant type: Deletion.
Identifiers: ClinVar variation 832710 (VCV000832710.8).